The following is an entry in ClinVar:

NM_152703.5(SAMD9L):c.674C>T (p.Ala225Val)

Gene: SAMD9L (sterile alpha motif domain containing 9 like; minus strand). Cytogenetic location: 7q21.2.
Variant type: single nucleotide variant.
Coding change: c.674C>T on transcript NM_152703.5 (MANE Select); coding-DNA position 674, C replaced by T.
Protein change: p.Ala225Val; replaces alanine 225 with valine.
Molecular consequence: missense variant.
Genome position (GRCh38, 1-based): chr7:93,135,298, G>A on the plus strand (C>T on the coding strand, the complement: SAMD9L is on the minus strand). VCF-style: chr7-93135298-G-A. GRCh37 (hg19) VCF-style: chr7-92764611-G-A.
Other names: c.674C>T, p.Ala225Val (NM_001303496.3, NM_001303497.3, NM_001303498.3 and 5 more transcripts); short protein forms A225V.
Identifiers: ClinVar variation 4159436 (VCV004159436.1).
Genomic context (GRCh38, chr7:93,135,298, plus strand): 5'-GGTTTGTCCTTGACTCCAAAATGGATGGTGCCATTGGTGCGTGAATTCATACAAGCTGAT[G>A]CAAATCGGAAGACTTCATTGCTGAATTTCATCTTAATGTCCACTTCCGTGGCTGTTTCTG-3'
Protein context (NP_689916.2, residues 215-235): MKFSNEVFRF[Ala225Val]SACMNSRTNG

ClinVar aggregate classification (germline): Uncertain significance (1 of 4 stars; one submission).

Conditions:
Inborn genetic diseases. Identifiers: MedGen C0950123, MeSH D030342.

gnomAD v4.1: 1 of 1,614,130 alleles (0.000062%); highest among the groups gnomAD compares: Admixed American, 0.0017%; no homozygotes.

Submission:

Ambry Genetics
Classification: Uncertain significance for Inborn genetic diseases. Last evaluated: 2025-08-23. Review status: criteria provided, single submitter. Criteria: Ambry Variant Classification Scheme 2023. Collection method: clinical testing. Allele origin: germline.
Comment: The p.A225V variant (also known as c.674C>T), located in coding exon 1 of the SAMD9L gene, results from a C to T substitution at nucleotide position 674. The alanine at codon 225 is replaced by valine, an amino acid with similar properties. This amino acid position is conserved. In addition, this alteration is predicted to be tolerated by in silico analysis. Based on the available evidence, the clinical significance of this variant remains unclear.